The following is an entry in ClinVar:

ClinVar aggregate classification (germline): Uncertain significance (1 of 4 stars; one submission).

Conditions:
Premature ovarian failure 5 (POF5). Identifiers: MedGen C1969060, MONDO:0012689, OMIM 611548.

Allele frequency attached by ClinVar (database versions not stated): ExAC 0.00001.

Submission:

Neuberg Centre For Genomic Medicine, NCGM
Classification: Uncertain significance for Premature ovarian failure 5. Review status: criteria provided, single submitter. Criteria: ACMG Guidelines, 2015. Collection method: clinical testing. Allele origin: germline. Inheritance: Autosomal recessive inheritance. Affected: yes.
Comment: The missense c.1337C>T(p.Pro446Leu) variant in NOBOX gene has not been reported previously as a pathogenic variant nor as a benign variant, to our knowledge. The variant is reported with an allele frequency of 0.0004% in the gnomAD exomes database and is novel (not in any individuals) in 1000 Genomes database. This variant has not been reported to the ClinVar database. The amino acid change p.Pro446Leu in NOBOX is predicted as conserved by GERP++ and PhyloP across 100 vertebrates. The amino acid Pro at position 446 is changed to a Leu changing protein sequence and it might alter its composition and physico-chemical properties. For these reasons, this variant has been classified as Variant of Uncertain Significance (VUS).

NM_001436401.1(NOBOX):c.986C>T (p.Pro329Leu)

Gene: NOBOX (NOBOX oogenesis homeobox; minus strand). Cytogenetic location: 7q35.
Variant type: single nucleotide variant.
Coding change: c.986C>T on transcript NM_001436401.1 (MANE Select); coding-DNA position 986, C replaced by T.
Protein change: p.Pro329Leu; replaces proline 329 with leucine.
Molecular consequence: missense variant.
Genome position (GRCh38, 1-based): chr7:144,399,082, G>A on the plus strand (C>T on the coding strand, the complement: NOBOX is on the minus strand). VCF-style: chr7-144399082-G-A. GRCh37 (hg19) VCF-style: chr7-144096175-G-A.
Other names: NM_001080413.3:c.1337C>T; c.434C>T, p.Pro145Leu (NM_001436402.1); short protein forms P145L, P329L.
Identifiers: ClinVar variation 2664232 (VCV002664232.1), dbSNP rs776455519, ClinGen allele CA4544582.